The following is an entry in ClinVar:

ClinVar aggregate classification (germline): Pathogenic (1 of 4 stars; one submission).

Conditions:
Focal segmental glomerulosclerosis 7 (FSGS7). Identifiers: Orphanet 656, MedGen C4014925, MONDO:0014451, OMIM 616002.
Renal coloboma syndrome (PAPRS). Also called: PAPILLORENAL SYNDROME; COLOBOMA OF OPTIC NERVE WITH RENAL DISEASE; OPTIC COLOBOMA, VESICOURETERAL REFLUX, AND RENAL ANOMALIES; OPTIC NERVE COLOBOMA WITH RENAL DISEASE; RENAL-COLOBOMA SYNDROME WITH MACULAR ABNORMALITIES; PAPILLORENAL SYNDROME WITH MILD OCULAR ABNORMALITIES. Identifiers: Orphanet 1475, MedGen C1852759, MONDO:0007352, OMIM 120330.

Submission:

Labcorp Genetics (formerly Invitae), Labcorp
Classification: Pathogenic for Renal coloboma syndrome; Focal segmental glomerulosclerosis 7. Last evaluated: 2024-12-12. Review status: criteria provided, single submitter. Criteria: Invitae Variant Classification Sherloc (09022015). Collection method: clinical testing. Allele origin: germline.
Comment: This sequence change creates a premature translational stop signal (p.Trp112Glyfs*47) in the PAX2 gene. It is expected to result in an absent or disrupted protein product. Loss-of-function variants in PAX2 are known to be pathogenic (PMID: 11461952, 24676634, 35444690). This variant is not present in population databases (gnomAD no frequency). This variant has not been reported in the literature in individuals affected with PAX2-related conditions. For these reasons, this variant has been classified as Pathogenic.

Literature cited by the submitters: PubMed 11461952; PubMed 24676634; PubMed 35444690.

NM_000278.5(PAX2):c.334del (p.Trp112fs)

Gene: PAX2 (paired box 2; plus strand). Cytogenetic location: 10q24.31.
Variant type: Deletion.
Coding change: c.334del on transcript NM_000278.5 (MANE Select); coding-DNA position 334, one base deleted (T; older notation c.334delT).
Protein change: p.Trp112fs; shifts the reading frame from tryptophan 112.
Molecular consequence: frameshift variant.
Genome position (GRCh38, 1-based): chr10:100,750,815, T deleted. VCF-style (leftmost placement, unchanged base first): chr10-100750814-CT-C. GRCh37 (hg19) VCF-style: chr10-102510571-CT-C.
Other names: c.427del, p.Trp143fs (NM_001304569.2); c.334del, p.Trp112fs (NM_003987.5, NM_003988.5, NM_003989.5 and 1 more transcripts); short protein forms W112fs, W143fs.
Identifiers: ClinVar variation 3760041 (VCV003760041.2).